The following is an entry in ClinVar:

ClinVar aggregate classification (germline): Likely benign. Review status: criteria provided, multiple submitters, no conflicts (2 of 4 stars). 3 submissions from 3 submitters: Likely benign (3). Last evaluated 2025-05-08.

Conditions:
NBEA-related disorder. Also called: NBEA-related condition.

gnomAD v4.1: 53 of 1,612,524 alleles (0.0033%); highest among the groups gnomAD compares: East Asian, 0.06%; 1 homozygote.

Submissions (3):

Women's Health and Genetics/Laboratory Corporation of America, LabCorp
Classification: Likely benign. Last evaluated: 2025-05-08. Review status: criteria provided, single submitter. Criteria: LabCorp Variant Classification Summary - May 2015. Collection method: clinical testing. Allele origin: germline.

PreventionGenetics, part of Exact Sciences
Classification: Likely benign for NBEA-related condition. Last evaluated: 2024-12-23. Review status: criteria provided, single submitter. Criteria: ACMG Guidelines, 2015. Collection method: clinical testing. Allele origin: germline.
Comment: This variant is classified as likely benign based on ACMG/AMP sequence variant interpretation guidelines (Richards et al. 2015 PMID: 25741868, with internal and published modifications).

Blueprint Genetics
Classification: Likely benign. Last evaluated: 2024-11-27. Review status: criteria provided, single submitter. Criteria: ACMG Guidelines, 2015. Collection method: clinical testing. Allele origin: germline.

NM_001385012.1(NBEA):c.3516G>A (p.Gln1172=)

Gene: NBEA (neurobeachin; plus strand). Cytogenetic location: 13q13.3.
Variant type: single nucleotide variant.
Coding change: c.3516G>A on transcript NM_001385012.1 (MANE Select); coding-DNA position 3516, G replaced by A.
Protein change: p.Gln1172=; no amino-acid change (glutamine 1172 retained).
Molecular consequence: synonymous variant.
Genome position (GRCh38, 1-based): chr13:35,159,687, G>A. VCF-style: chr13-35159687-G-A. GRCh37 (hg19) VCF-style: chr13-35733824-G-A.
Other names: c.3516G>A (NM_015678.4); c.3516G>A, p.Gln1172= (NM_001379245.1, NM_015678.5).
Identifiers: ClinVar variation 3902398 (VCV003902398.3).